The following is an entry in ClinVar:

NM_001202.6(BMP4):c.3G>A (p.Met1Ile)

Gene: BMP4 (bone morphogenetic protein 4; minus strand). Cytogenetic location: 14q22.2.
Variant type: single nucleotide variant.
Coding change: c.3G>A on transcript NM_001202.6 (MANE Select); coding-DNA position 3, G replaced by A.
Protein change: p.Met1Ile; changes the start codon (methionine 1).
Molecular consequence: missense variant, initiator codon variant. On other transcripts: intron variant (4).
Genome position (GRCh38, 1-based): chr14:53,952,220, C>T on the plus strand (G>A on the coding strand, the complement: BMP4 is on the minus strand). VCF-style: chr14-53952220-C-T. GRCh37 (hg19) VCF-style: chr14-54418938-C-T.
Other names: c.3G>A, p.Met1Ile (NM_001347914.2, NM_001347916.1, NM_130850.5 and 1 more transcripts); c.188-44G>A (NM_001347912.1); c.-143-44G>A (NM_001347913.2, NM_001347917.1, NM_001347915.2); short protein forms M1I.
Identifiers: ClinVar variation 5008761 (VCV005008761.1).

ClinVar aggregate classification (germline): Uncertain significance (1 of 4 stars; one submission).

Submission:

GeneDx
Classification: Uncertain significance. Last evaluated: 2026-02-13. Review status: criteria provided, single submitter. Criteria: GeneDx Variant Classification Process June 2021. Collection method: clinical testing. Allele origin: germline.
Comment: Not observed at significant frequency in large population cohorts (gnomAD); Initiation codon variant predicted to alter the protein; however, a downstream in-frame Methionine residue could serve as an alternate initiator codon; Has not been previously published as pathogenic or benign to our knowledge